The following is an entry in ClinVar:

NM_001040142.2(SCN2A):c.3935G>C (p.Arg1312Thr)

Gene: SCN2A (sodium voltage-gated channel alpha subunit 2; plus strand). Cytogenetic location: 2q24.3.
Variant type: single nucleotide variant.
Coding change: c.3935G>C on transcript NM_001040142.2 (MANE Select); coding-DNA position 3935, G replaced by C.
Protein change: p.Arg1312Thr; replaces arginine 1312 with threonine.
Molecular consequence: missense variant.
Genome position (GRCh38, 1-based): chr2:165,373,310, G>C. VCF-style: chr2-165373310-G-C. GRCh37 (hg19) VCF-style: chr2-166229820-G-C.
Other names: c.3935G>C, p.Arg1312Thr (NM_001040143.2, NM_001371246.1, NM_001371247.1 and 1 more transcripts); short protein forms R1312T.
Identifiers: ClinVar variation 1727247 (VCV001727247.7), dbSNP rs867663974, ClinGen allele CA349029325.

ClinVar aggregate classification (germline): Likely pathogenic (1 of 4 stars; one submission).

Conditions:
Seizures, benign familial infantile, 3 (BFIS3). Also called: Familial neonatal seizures; CONVULSIONS, BENIGN FAMILIAL INFANTILE, 3. Identifiers: Orphanet 140927, Orphanet 306, MedGen C1843140, MONDO:0011904, OMIM 607745.
Developmental and epileptic encephalopathy, 11 (DEE11). Also called: Early infantile epileptic encephalopathy 11. Identifiers: Orphanet 1934, MedGen C3150987, MONDO:0013388, OMIM 613721.

Submissions (2):

Labcorp Genetics (formerly Invitae), Labcorp
Classification: Likely pathogenic for Seizures, benign familial infantile, 3; Developmental and epileptic encephalopathy, 11. Last evaluated: 2022-07-30. Review status: criteria provided, single submitter. Criteria: Invitae Variant Classification Sherloc (09022015). Collection method: clinical testing. Allele origin: germline.
Comment: This sequence change replaces arginine, which is basic and polar, with threonine, which is neutral and polar, at codon 1312 of the SCN2A protein (p.Arg1312Thr). This variant is not present in population databases (gnomAD no frequency). This missense change has been observed in individual(s) with clinical features of SCN2A-related conditions (PMID: 19783390; Invitae). In at least one individual the variant was observed to be de novo. Algorithms developed to predict the effect of missense changes on protein structure and function are either unavailable or do not agree on the potential impact of this missense change (SIFT: "Deleterious"; PolyPhen-2: "Probably Damaging"; Align-GVGD: "Class C0"). Experimental studies have shown that this missense change affects SCN2A function (PMID: 22677033). In summary, the currently available evidence indicates that the variant is pathogenic, but additional data are needed to prove that conclusively. Therefore, this variant has been classified as Likely Pathogenic.

Channelopathy-Associated Epilepsy Research Center
No classification provided (evidence only). Condition: Complex neurodevelopmental disorder. Review status: no classification provided. Collection method: literature only. Allele origin: not applicable. Functional consequence: Increase in slope of activation, Increase in slope of fast inactivation, Increase of decay in current amplitude in use dependence, Moderate hyperpolarizing shift of voltage dependence of activation, Normal peak current, Normal persistent current, Severe slowing of recovery from fast inactivation, Severe hyperpolarizing shift of voltage dependence of fast inactivation, Hyperpolarizing shift of voltage dependence of slow inactivation, Overall loss-of-function. Not counted in ClinVar's aggregate classification.
ClinVar note: "not provided" was previously submitted as the classification for the variant. However, the classification appeared to be based only on an observation of functional data so it was converted to no classification on 2025-07-30.

Literature cited by the submitters: PubMed 19783390 (cited by Labcorp Genetics (formerly Invitae), Labcorp); PubMed 22677033 (cited by Labcorp Genetics (formerly Invitae), Labcorp and Channelopathy-Associated Epilepsy Research Center).